The following is an entry in ClinVar:

ClinVar aggregate classification (germline): Uncertain significance. Review status: criteria provided, single submitter (1 of 4 stars). 2 submissions from 2 submitters: Uncertain significance (1). 1 of the submissions does not count toward it. Last evaluated 2024-05-30.

Conditions:
Inborn genetic diseases. Identifiers: MedGen C0950123, MeSH D030342.
KCNA5-related disorder. Also called: KCNA5-related condition.

Allele frequency attached by ClinVar (database versions not stated): TOPMed below 0.00001.

Submissions (2):

Ambry Genetics
Classification: Uncertain significance for Inborn genetic diseases. Last evaluated: 2024-05-30. Review status: criteria provided, single submitter. Criteria: Ambry Variant Classification Scheme 2023. Collection method: clinical testing. Allele origin: germline.

PreventionGenetics, part of Exact Sciences
Classification: Uncertain significance for KCNA5-related condition. Last evaluated: 2024-08-12. Review status: no assertion criteria provided. Collection method: clinical testing. Allele origin: germline. Not counted in ClinVar's aggregate classification.
Comment: The KCNA5 c.562C>G variant is predicted to result in the amino acid substitution p.Pro188Ala. To our knowledge, this variant has not been reported in the literature or in a large population database, indicating this variant is rare. At this time, the clinical significance of this variant is uncertain due to the absence of conclusive functional and genetic evidence.

NM_002234.4(KCNA5):c.562C>G (p.Pro188Ala)

Gene: KCNA5 (potassium voltage-gated channel subfamily A member 5; plus strand). Cytogenetic location: 12p13.32.
Variant type: single nucleotide variant.
Coding change: c.562C>G on transcript NM_002234.4 (MANE Select); coding-DNA position 562, C replaced by G.
Protein change: p.Pro188Ala; replaces proline 188 with alanine.
Molecular consequence: missense variant.
Genome position (GRCh38, 1-based): chr12:5,044,709, C>G. VCF-style: chr12-5044709-C-G. GRCh37 (hg19) VCF-style: chr12-5153875-C-G.
Other names: c.562C>G (NM_002234.2, NM_002234.3); short protein forms P188A.
Identifiers: ClinVar variation 3287496 (VCV003287496.2), dbSNP rs907032325.